The following is an entry in ClinVar:

ClinVar aggregate classification (germline): Uncertain significance (1 of 4 stars; one submission).

Conditions:
Pontocerebellar hypoplasia type 2E. Identifiers: Orphanet 247198, MedGen C4014488, MONDO:0014370, OMIM 615851.

Submission:

Myriad Genetics, Inc.
Classification: Uncertain significance for Pontocerebellar hypoplasia type 2E. Last evaluated: 2026-01-22. Review status: criteria provided, single submitter. Criteria: Myriad Autosomal Dominant, Autosomal Recessive and X-Linked Classification Criteria (2023). Collection method: clinical testing. Allele origin: unknown.
Comment: NM_001128159.2(VPS53):c.2274dupC(K759Qfs*24) is a frameshift variant classified as a variant of uncertain significance in the context of pontocerebellar hypoplasia, VPS53-related. K759Qfs*24 has not been observed in cases with relevant disease. Relevant functional assessments of this variant are not available in the literature. K759Qfs*24 has not been observed in referenced population frequency databases. In summary, there is insufficient evidence to classify NM_001128159.2(VPS53):c.2274dupC(K759Qfs*24) as pathogenic or benign. Please note: this variant was assessed in the context of healthy population screening.

NM_001128159.3(VPS53):c.2274dup (p.Lys759fs)

Gene: VPS53 (VPS53 subunit of GARP complex; minus strand). Cytogenetic location: 17p13.3.
Variant type: Duplication.
Coding change: c.2274dup on transcript NM_001128159.3 (MANE Select); coding-DNA position 2274, one base duplicated (C; older notation c.2274dupC).
Protein change: p.Lys759fs; shifts the reading frame from lysine 759.
Molecular consequence: frameshift variant.
Genome position (GRCh38, 1-based): chr17:519,880, G duplicated on the plus strand (C on the coding strand, the reverse complement: VPS53 is on the minus strand). VCF-style (leftmost placement, unchanged base first): chr17-519879-T-TG. GRCh37 (hg19) VCF-style: chr17-423119-T-TG.
Other names: short protein forms K759fs.
Identifiers: ClinVar variation 5004407 (VCV005004407.1).
Genomic context (GRCh38, chr17:519,879, plus strand): 5'-CACAAACCTTCATGTCCAGTATCTTCTGAAAGGTTTCTGTGTTGCAGTCTGTGAGAAGTT[T>TG]GATGTAGTTGTCAACAAACACCACCAACGGTTCATGAGGGGCCATCACTACCTACAGCGG-3'